The following is an entry in ClinVar:

ClinVar aggregate classification (germline): Uncertain significance (1 of 4 stars; one submission).

Conditions:
Generalized epilepsy-paroxysmal dyskinesia syndrome (PNKD3). Also called: Generalized epilepsy and paroxysmal dyskinesia; Paroxysmal nonkinesigenic dyskinesia, 3, with or without generalized epilepsy. Identifiers: Orphanet 79137, MedGen C5574945, MONDO:0012276, OMIM 609446.

Submission:

Labcorp Genetics (formerly Invitae), Labcorp
Classification: Uncertain significance for Generalized epilepsy-paroxysmal dyskinesia syndrome. Last evaluated: 2024-04-18. Review status: criteria provided, single submitter. Criteria: Invitae Variant Classification Sherloc (09022015). Collection method: clinical testing. Allele origin: germline.
Comment: This sequence change replaces methionine, which is neutral and non-polar, with valine, which is neutral and non-polar, at codon 369 of the KCNMA1 protein (p.Met369Val). This variant is not present in population databases (gnomAD no frequency). This variant has not been reported in the literature in individuals affected with KCNMA1-related conditions. Advanced modeling of protein sequence and biophysical properties (such as structural, functional, and spatial information, amino acid conservation, physicochemical variation, residue mobility, and thermodynamic stability) performed at Invitae indicates that this missense variant is not expected to disrupt KCNMA1 protein function with a negative predictive value of 80%. In summary, the available evidence is currently insufficient to determine the role of this variant in disease. Therefore, it has been classified as a Variant of Uncertain Significance.

NM_001161352.2(KCNMA1):c.1105A>G (p.Met369Val)

Gene: KCNMA1 (potassium calcium-activated channel subfamily M alpha 1; minus strand). Cytogenetic location: 10q22.3.
Variant type: single nucleotide variant.
Coding change: c.1105A>G on transcript NM_001161352.2 (MANE Select); coding-DNA position 1105, A replaced by G.
Protein change: p.Met369Val; replaces methionine 369 with valine.
Molecular consequence: missense variant.
Genome position (GRCh38, 1-based): chr10:77,110,199, T>C on the plus strand (A>G on the coding strand, the complement: KCNMA1 is on the minus strand). VCF-style: chr10-77110199-T-C. GRCh37 (hg19) VCF-style: chr10-78869957-T-C.
Other names: c.1105A>G, p.Met369Val (NM_001161353.2, NM_001271519.2, NM_001322829.2 and 8 more transcripts); c.943A>G, p.Met315Val (NM_001271518.2); c.565A>G, p.Met189Val (NM_001322838.2); short protein forms M189V, M315V, M369V.
Identifiers: ClinVar variation 3650337 (VCV003650337.2).